The following is an entry in ClinVar:

NM_000289.6(PFKM):c.1987C>T (p.Gln663Ter)

Gene: PFKM (phosphofructokinase, muscle; plus strand). Cytogenetic location: 12q13.11.
Variant type: single nucleotide variant.
Coding change: c.1987C>T on transcript NM_000289.6 (MANE Select); coding-DNA position 1987, C replaced by T.
Protein change: p.Gln663Ter; replaces glutamine 663 with a stop codon.
Molecular consequence: nonsense. On other transcripts: non-coding transcript variant (6).
Genome position (GRCh38, 1-based): chr12:48,144,152, C>T. VCF-style: chr12-48144152-C-T. GRCh37 (hg19) VCF-style: chr12-48537935-C-T.
Other names: c.2200C>T, p.Gln734Ter (NM_001166686.2, NM_001354737.1, NM_001354738.1 and 1 more transcripts); c.1987C>T, p.Gln663Ter (NM_001166687.2, NM_001166688.2, NM_001354742.2 and 2 more transcripts); c.2296C>T, p.Gln766Ter (NM_001354735.1, NM_001354736.1); c.2131C>T, p.Gln711Ter (NM_001354740.1); c.2011C>T, p.Gln671Ter (NM_001354741.2); c.1900C>T, p.Gln634Ter (NM_001354745.2); c.1861C>T, p.Gln621Ter (NM_001354746.2); c.1837C>T, p.Gln613Ter (NM_001354747.2, NM_001354748.2); and 2 more; short protein forms Q613*, Q621*, Q632*, Q634*, Q663*, Q671*, Q703*, Q711*.
Identifiers: ClinVar variation 5014585 (VCV005014585.1).

ClinVar aggregate classification (germline): Pathogenic (1 of 4 stars; one submission).

Conditions:
Glycogen storage disease, type VII (GSD7). Also called: PFKM DEFICIENCY; TARUI DISEASE; GSD VII; MUSCLE PHOSPHOFRUCTOKINASE DEFICIENCY. Identifiers: Orphanet 371, MedGen C0017926, MONDO:0009295, OMIM 232800.

gnomAD v4.1: 1 of 1,601,976 alleles (0.000062%); highest among the groups gnomAD compares: Non-Finnish European, 0.000086%; no homozygotes.

Submission:

Myriad Genetics, Inc.
Classification: Pathogenic for Glycogen storage disease, type VII. Last evaluated: 2025-06-11. Review status: criteria provided, single submitter. Criteria: Myriad Autosomal Dominant, Autosomal Recessive and X-Linked Classification Criteria (2023). Collection method: clinical testing. Allele origin: unknown.
Comment: NM_001166686.1(PFKM):c.2200C>T(Q734*) is expected to be pathogenic in the context of glycogen storage disease, PFKM-related. This variant is predicted to lead to an abnormal or absent protein product due to the creation of a premature termination codon in PFKM, a gene where loss-of-function variants are known to be pathogenic. Please note: this variant was assessed in the context of healthy population screening.